The following is an entry in ClinVar:

ClinVar aggregate classification (germline): Likely pathogenic (1 of 4 stars; one submission).

Conditions:
alpha Thalassemia. Also called: Alpha thalassemia spectrum. Identifiers: Orphanet 846, MedGen C0002312, MONDO:0011399, OMIM 604131.

Submission:

Natera, Inc.
Classification: Likely pathogenic for Alpha thalassemia. Last evaluated: 2025-12-16. Review status: criteria provided, single submitter. Criteria: Natera Variant Classification Schema (03/2026). Collection method: clinical testing. Allele origin: germline.
Comment: The c.141del variant in HBA1 is a frameshift variant predicted to shift the reading frame beginning at codon 47 and leads to a stop codon 3 codons downstream. This variant is expected to result in nonsense mediated decay, truncation, or a dysfunctional protein product. This variant is rare in the general population with a frequency below the threshold expected for the associated phenotype(s). Given the available evidence, this variant is classified as Likely Pathogenic.

NM_000558.5(HBA1):c.141del (p.Phe47fs)

Genes: HBA1 (hemoglobin subunit alpha 1; plus strand), LOC106804613 (hemoglobin subunit alpha 1 recombination region; plus strand). Cytogenetic location: 16p13.3.
Variant type: Deletion.
Coding change: c.141del on transcript NM_000558.5 (MANE Select); coding-DNA position 141, one base deleted (C; older notation c.141delC).
Protein change: p.Phe47fs; shifts the reading frame from phenylalanine 47.
Molecular consequence: frameshift variant.
Genome position (GRCh38, 1-based): chr16:176,974, C deleted. VCF-style (leftmost placement, unchanged base first): chr16-176973-TC-T. GRCh37 (hg19) VCF-style: chr16-226972-TC-T.
Other names: short protein forms F47fs.
Identifiers: ClinVar variation 4814374 (VCV004814374.1).